The following is an entry in ClinVar:

NM_000484.4(APP):c.2113C>G (p.Leu705Val)

Gene: APP (amyloid beta precursor protein; minus strand). Cytogenetic location: 21q21.3.
Variant type: single nucleotide variant.
Coding change: c.2113C>G on transcript NM_000484.4 (MANE Select); coding-DNA position 2113, C replaced by G.
Protein change: p.Leu705Val; replaces leucine 705 with valine.
Molecular consequence: missense variant.
Genome position (GRCh38, 1-based): chr21:25,891,820, G>C on the plus strand (C>G on the coding strand, the complement: APP is on the minus strand). VCF-style: chr21-25891820-G-C. GRCh37 (hg19) VCF-style: chr21-27264132-G-C.
Other names: c.2041C>G, p.Leu681Val (NM_001136016.3); c.1720C>G, p.Leu574Val (NM_001136129.3); c.1945C>G, p.Leu649Val (NM_001136130.3, NM_001385253.1); c.1783C>G, p.Leu595Val (NM_001136131.3); c.2059C>G, p.Leu687Val (NM_001204301.2); c.2002C>G, p.Leu668Val (NM_001204302.2); c.1834C>G, p.Leu612Val (NM_001204303.2); c.2056C>G, p.Leu686Val (NM_201413.3); and 1 more; short protein forms L705V, L595V, L686V, L687V, L574V, L612V, L630V, L668V.
Identifiers: ClinVar variation 18103 (VCV000018103.2), dbSNP rs63750921, ClinGen allele CA127815.

ClinVar aggregate classification (germline): Likely pathogenic. Review status: criteria provided, single submitter (1 of 4 stars). 3 submissions from 3 submitters: Likely pathogenic (1). 2 of the submissions do not count toward it. Last evaluated 2024-01-24.

Conditions:
CEREBRAL AMYLOID ANGIOPATHY, APP-RELATED, PIEDMONT VARIANT.
Cerebral amyloid angiopathy, APP-related. Also called: AMYLOIDOSIS, CEREBROARTERIAL, APP-RELATED; Cerebral amyloid angiopathy, Dutch, Italian, Iowa, Flemish, Arctic variants. Identifiers: Orphanet 100006, Orphanet 324703, Orphanet 324708, Orphanet 324713, Orphanet 324718, Orphanet 324723, Orphanet 85458, MedGen C2751536, MONDO:0011583, OMIM 605714.

Allele frequency attached by ClinVar (database versions not stated): gnomAD exomes below 0.00001.
gnomAD v4.1: 1 of 1,614,024 alleles (0.000062%); highest among the groups gnomAD compares: Non-Finnish European, 0.000085%; no homozygotes.

Submissions (3):

Women's Health and Genetics/Laboratory Corporation of America, LabCorp
Classification: Likely pathogenic for Cerebral amyloid angiopathy, APP-related. Last evaluated: 2024-01-24. Review status: criteria provided, single submitter. Criteria: LabCorp Variant Classification Summary - May 2015. Collection method: clinical testing. Allele origin: germline.
Comment: Variant summary: APP c.2113C>G (p.Leu705Val) results in a conservative amino acid change located in the Amyloidogenic glycoprotein, amyloid-beta peptide (IPR013803) of the encoded protein sequence. Four of five in-silico tools predict a damaging effect of the variant on protein function. The variant was absent in 251340 control chromosomes. c.2113C>G has been reported in the literature in individuals affected with Cerebral Amyloid Angiopathy, APP-Related (Moro_2012, Obici_2005) and shown to segregate with disease. These data indicate that the variant is likely to be associated with disease. To our knowledge, no experimental evidence demonstrating an impact on protein function has been reported. The following publications have been ascertained in the context of this evaluation (PMID: 23143229, 16178030). ClinVar contains an entry for this variant (Variation ID: 18103). Based on the evidence outlined above, the variant was classified as likely pathogenic.

OMIM
Classification: Pathogenic for CEREBRAL AMYLOID ANGIOPATHY, APP-RELATED, PIEDMONT VARIANT. Last evaluated: 2009-07-01. Review status: no assertion criteria provided. Collection method: literature only. Allele origin: germline. Not counted in ClinVar's aggregate classification.

VIB  Department of Molecular Genetics, University of Antwerp
No classification provided. Review status: no classification provided. Collection method: not provided. Allele origin: not provided. Not counted in ClinVar's aggregate classification.

Literature cited by the submitters: PubMed 23143229 (cited by Women's Health and Genetics/Laboratory Corporation of America, LabCorp); PubMed 16178030 (cited by Women's Health and Genetics/Laboratory Corporation of America, LabCorp and OMIM); PubMed 19225789 (cited by OMIM).